The following is an entry in ClinVar:

ClinVar aggregate classification (germline): Uncertain significance (1 of 4 stars; one submission).

Submission:

CeGaT Center for Human Genetics Tuebingen
Classification: Uncertain significance. Last evaluated: 2023-12-01. Review status: criteria provided, single submitter. Criteria: CeGaT Center For Human Genetics Tuebingen Variant Classification Criteria Version 2. Collection method: clinical testing. Allele origin: germline. Affected: yes. Observed: 1 variant allele.
Comment: FLII: PM2, BP4

NM_002018.4(FLII):c.3448G>T (p.Ala1150Ser)

Gene: FLII (FLII actin remodeling protein; minus strand). Cytogenetic location: 17p11.2.
Variant type: single nucleotide variant.
Coding change: c.3448G>T on transcript NM_002018.4 (MANE Select); coding-DNA position 3448, G replaced by T.
Protein change: p.Ala1150Ser; replaces alanine 1150 with serine.
Molecular consequence: missense variant.
Genome position (GRCh38, 1-based): chr17:18,245,799, C>A on the plus strand (G>T on the coding strand, the complement: FLII is on the minus strand). VCF-style: chr17-18245799-C-A. GRCh37 (hg19) VCF-style: chr17-18149113-C-A.
Other names: c.3415G>T, p.Ala1139Ser (NM_001256264.2); c.3283G>T, p.Ala1095Ser (NM_001256265.2); short protein forms A1095S, A1139S, A1150S.
Identifiers: ClinVar variation 3026840 (VCV003026840.22), dbSNP rs2048022795, ClinGen allele CA398609772.
Genomic context (GRCh38, chr17:18,245,799, plus strand): 5'-CTCACCGGAAGAGACGTGTGTGTTTCATGTACTCGGCATCGTCATCATAGGGCTTCTGTG[C>A]CCCAATGCCCACCCAGAAGAAGTTCTCAGGCTCCTCACCTTCGTTGATAACCTGCGGGAA-3'
Protein context (NP_002009.1, residues 1140-1160): PENFFWVGIG[Ala1150Ser]QKPYDDDAEY